The following is an entry in ClinVar:

NM_001845.6(COL4A1):c.4462+3A>G

Gene: COL4A1 (collagen type IV alpha 1 chain; minus strand). Cytogenetic location: 13q34.
Variant type: single nucleotide variant.
Coding change: c.4462+3A>G on transcript NM_001845.6 (MANE Select); 3 bases into the intron after coding-DNA position 4462, A replaced by G.
Molecular consequence: intron variant.
Genome position (GRCh38, 1-based): chr13:110,162,227, T>C on the plus strand (A>G on the coding strand, the complement: COL4A1 is on the minus strand). VCF-style: chr13-110162227-T-C. GRCh37 (hg19) VCF-style: chr13-110814574-T-C.
Other names: c.4462+3A>G (NM_001845.5, NM_001845.4).
Identifiers: ClinVar variation 1355757 (VCV001355757.14), dbSNP rs201116557, ClinGen allele CA7046936.

ClinVar aggregate classification (germline): Conflicting classifications of pathogenicity. Review status: criteria provided, conflicting classifications (1 of 4 stars). 7 submissions from 7 submitters: Uncertain significance (5); Benign (1); Likely benign (1). Last evaluated 2026-01-13.

Conditions:
COL4A1-related disorder. Also called: COL4A1-related condition; COL4A1-related disorders. Identifiers: MedGen CN376119, MONDO:0800461.
Primary membranoproliferative glomerulonephritis. Identifiers: Orphanet 54370, MedGen CN304703, MONDO:0018904.
Microangiopathy and leukoencephalopathy, pontine, autosomal dominant. Also called: DEMENTIA, HEREDITARY MULTI-INFARCT, SWEDISH TYPE; Pontine autosomal dominant microangiopathy with leukoencephalopathy. Identifiers: Orphanet 477749, MedGen C5231411, MONDO:0032814, OMIM 618564.
Hemorrhage, intracerebral, susceptibility to (ICH). Also called: Stroke, hemorrhagic, susceptibility to. Identifiers: MedGen C3281105, MONDO:0100533, OMIM 614519.
Retinal arterial tortuosity. Also called: Retinal arteries, tortuosity of; RETINAL HEMORRHAGE WITH VASCULAR TORTUOSITY. Identifiers: Orphanet 75326, MedGen C0423401, MONDO:0008373, OMIM 180000, HP:0000631.
Brain small vessel disease 1 with or without ocular anomalies (BSVD1). Also called: Brain small vessel disease with or without ocular anomalies; BRAIN SMALL VESSEL DISEASE WITH HEMORRHAGE; GOULD SYNDROME 1; PORENCEPHALY, TYPE 1, AUTOSOMAL DOMINANT. Identifiers: Orphanet 2940, Orphanet 36383, Orphanet 99810, MedGen C4755307, MONDO:0008289, OMIM 175780.
Autosomal dominant familial hematuria-retinal arteriolar tortuosity-contractures syndrome. Also called: Hereditary Angiopathy with Nephropathy, Aneurysms, and Muscle Cramps (HANAC) Syndrome; Angiopathy, hereditary, with nephropathy, aneurysms, and muscle cramps. Identifiers: Orphanet 73229, MedGen C2673195, MONDO:0012726, OMIM 611773.
Inborn genetic diseases. Identifiers: MedGen C0950123, MeSH D030342.

Allele frequency attached by ClinVar (database versions not stated): gnomAD 0.00001; ExAC 0.00004; gnomAD exomes 0.00004 and 0.00015; TOPMed 0.00005; ESP Exome Variant Server 0.00015; 1000 Genomes Project 0.00020; 1000 Genomes Project 30x 0.00031.
gnomAD v4.1: 222 of 1,613,724 alleles (0.014%); highest among the groups gnomAD compares: Non-Finnish European, 0.018%; no homozygotes.

Submissions (7):

Ambry Genetics
Classification: Likely benign for Inborn genetic diseases. Last evaluated: 2026-01-13. Review status: criteria provided, single submitter. Criteria: Ambry Variant Classification Scheme 2023. Collection method: clinical testing. Allele origin: germline.

Labcorp Genetics (formerly Invitae), Labcorp
Classification: Uncertain significance. Last evaluated: 2026-01-01. Review status: criteria provided, single submitter. Criteria: Invitae Variant Classification Sherloc (09022015). Collection method: clinical testing. Allele origin: germline.
Comment: This sequence change falls in intron 48 of the COL4A1 gene. It does not directly change the encoded amino acid sequence of the COL4A1 protein. It affects a nucleotide within the consensus splice site. This variant is present in population databases (rs201116557, gnomAD 0.009%). This variant has not been reported in the literature in individuals affected with COL4A1-related conditions. ClinVar contains an entry for this variant (Variation ID: 1355757). Variants that disrupt the consensus splice site are a relatively common cause of aberrant splicing (PMID: 17576681, 9536098). Algorithms developed to predict the effect of sequence changes on RNA splicing suggest that this variant may disrupt the consensus splice site. In summary, the available evidence is currently insufficient to determine the role of this variant in disease. Therefore, it has been classified as a Variant of Uncertain Significance.

Women's Health and Genetics/Laboratory Corporation of America, LabCorp
Classification: Uncertain significance. Last evaluated: 2025-07-01. Review status: criteria provided, single submitter. Criteria: LabCorp Variant Classification Summary - May 2015. Collection method: clinical testing. Allele origin: germline.
Comment: Variant summary: COL4A1 c.4462+3A>G alters a conserved nucleotide located close to a canonical splice site and therefore could affect mRNA splicing, leading to a significantly altered protein sequence. Several computational tools predict a significant impact on normal splicing: Four predict the variant weakens a 5' donor site. However, these predictions have yet to be confirmed by functional studies. The variant allele was found at a frequency of 4e-05 in 251144 control chromosomes. This frequency is not significantly higher than estimated for a pathogenic variant in COL4A1 causing Porencephaly 1, allowing no conclusion about variant significance. To our knowledge, no occurrence of c.4462+3A>G in individuals affected with Porencephaly 1 and no experimental evidence demonstrating its impact on protein function have been reported. ClinVar contains an entry for this variant (Variation ID: 1355757). Based on the evidence outlined above, the variant was classified as uncertain significance.

Revvity Omics, Revvity
Classification: Uncertain significance. Last evaluated: 2025-01-07. Review status: criteria provided, single submitter. Criteria: ACMG Guidelines, 2015. Collection method: clinical testing. Allele origin: germline.

PreventionGenetics, part of Exact Sciences
Classification: Uncertain significance for COL4A1-related condition. Last evaluated: 2024-11-01. Review status: criteria provided, single submitter. Criteria: ACMG Guidelines, 2015. Collection method: clinical testing. Allele origin: germline.
Comment: The COL4A1 c.4462+3A>G variant is predicted to interfere with splicing. This variant is predicted to alter splicing based on available splicing prediction programs (SpliceAI, Jaganathan et al. 2019. PubMed ID: 30661751). However, the use of computer prediction programs is not equivalent to functional evidence. To our knowledge, this variant has not been reported in the literature. This variant is reported in 0.0077% of alleles in individuals of European (Non-Finnish) descent in gnomAD. At this time, the clinical significance of this variant is uncertain due to the absence of conclusive functional and genetic evidence.

Fulgent Genetics
Classification: Uncertain significance for Brain small vessel disease 1 with or without ocular anomalies; Retinal arterial tortuosity; Autosomal dominant familial hematuria-retinal arteriolar tortuosity-contractures syndrome; Hemorrhage, intracerebral, susceptibility to; Microangiopathy and leukoencephalopathy, pontine, autosomal dominant. Last evaluated: 2024-01-15. Review status: criteria provided, single submitter. Criteria: ACMG Guidelines, 2015. Collection method: clinical testing. Allele origin: germline.

Cambridge Genomics Laboratory, East Genomic Laboratory Hub, NHS Genomic Medicine Service
Classification: Benign for Mesangiocapillary glomerulonephritis. Last evaluated: 2020-04-21. Review status: criteria provided, single submitter. Criteria: ACGS Best Practice Guidelines for Variant Classification in Rare Disease 2020. Collection method: clinical testing. Allele origin: germline. Affected: yes. Observed: 1 variant allele.

Literature cited by the submitters: PubMed 17576681 (cited by Labcorp Genetics (formerly Invitae), Labcorp); PubMed 9536098 (cited by Labcorp Genetics (formerly Invitae), Labcorp).